The following is an entry in ClinVar:

NM_004655.4(AXIN2):c.*2C>T

Gene: AXIN2 (axin 2; minus strand). Cytogenetic location: 17q24.1.
Variant type: single nucleotide variant.
Coding change: c.*2C>T on transcript NM_004655.4 (MANE Select); 2 bases downstream of the stop codon, C replaced by T.
Molecular consequence: 3 prime UTR variant.
Genome position (GRCh38, 1-based): chr17:65,529,974, G>A on the plus strand (C>T on the coding strand, the complement: AXIN2 is on the minus strand). VCF-style: chr17-65529974-G-A. GRCh37 (hg19) VCF-style: chr17-63526092-G-A.
Other names: c.*2C>T (NM_001363813.1).
Identifiers: ClinVar variation 3378968 (VCV003378968.1).

ClinVar aggregate classification (germline): Benign (1 of 4 stars; one submission).

Conditions:
Oligodontia-cancer predisposition syndrome. Also called: TOOTH AGENESIS-COLORECTAL CANCER SYNDROME. Identifiers: Orphanet 300576, MedGen C1837750, MONDO:0012075, OMIM 608615. Disease mechanism: loss of function.

gnomAD v4.1: 1 of 1,614,140 alleles (0.000062%); highest among the groups gnomAD compares: Non-Finnish European, 0.000085%; no homozygotes.

Submission:

Myriad Genetics, Inc.
Classification: Benign for Oligodontia-cancer predisposition syndrome. Last evaluated: 2024-09-25. Review status: criteria provided, single submitter. Criteria: Myriad Autosomal Dominant, Autosomal Recessive and X-Linked Classification Criteria (2023). Collection method: clinical testing. Allele origin: unknown.
Comment: This variant is considered benign. This variant occurs in the non-coding 3' untranslated region of the gene, and is not expected to impact protein function.